The following is an entry in ClinVar:

NM_001267550.2(TTN):c.25922-77T>G

Gene: TTN (titin; minus strand). Cytogenetic location: 2q31.2.
Variant type: single nucleotide variant.
Coding change: c.25922-77T>G on transcript NM_001267550.2 (MANE Select); 77 bases into the intron before coding-DNA position 25922, T replaced by G.
Molecular consequence: intron variant.
Genome position (GRCh38, 1-based): chr2:178,715,341, A>C on the plus strand (T>G on the coding strand, the complement: TTN is on the minus strand). VCF-style: chr2-178715341-A-C. GRCh37 (hg19) VCF-style: chr2-179580068-A-C.
Other names: NC_000002.11:g.179580068A>C; c.13282+22741T>G (NM_003319.4); c.13858+22741T>G (NM_133437.4); c.13657+22741T>G (NM_133432.3); c.22190-77T>G (NM_133378.4); c.24971-77T>G (NM_001256850.1).
Identifiers: ClinVar variation 673409 (VCV000673409.3), dbSNP rs2562835, ClinGen allele CA11203796.

ClinVar aggregate classification (germline): Benign. Review status: criteria provided, multiple submitters, no conflicts (2 of 4 stars). 2 submissions from 2 submitters: Benign (2). Last evaluated 2018-06-14.

Allele frequency attached by ClinVar (database versions not stated): TOPMed 0.04708; gnomAD 0.04877; 1000 Genomes Project 0.07548; 1000 Genomes Project 30x 0.07230.
gnomAD v4.1: 49,936 of 1,515,532 alleles (3.3%); highest among the groups gnomAD compares: East Asian, 19%; 1,615 homozygotes.

Submissions (3):

GeneDx
Classification: Benign. Last evaluated: 2018-06-14. Review status: criteria provided, single submitter. Criteria: GeneDx Variant Classification (06012015). Collection method: clinical testing. Allele origin: germline. Affected: yes.
Comment: This variant is considered likely benign or benign based on one or more of the following criteria: it is a conservative change, it occurs at a poorly conserved position in the protein, it is predicted to be benign by multiple in silico algorithms, and/or has population frequency not consistent with disease.

Breakthrough Genomics
Classification: Benign. Review status: criteria provided, single submitter. Criteria: ACMG Guidelines, 2015. Collection method: not provided. Allele origin: germline. Inheritance: Autosomal recessive inheritance. Affected: yes.

Dr. Peter K. Rogan Lab, Western University
No classification provided (evidence only). Condition: Uterine carcinosarcoma. Review status: no classification provided. Collection method: in vitro. Allele origin: not applicable. Functional consequence: retained intron. Not counted in ClinVar's aggregate classification.